The following is an entry in ClinVar:

NM_001349253.2(SCN11A):c.192G>C (p.Lys64Asn)

Gene: SCN11A (sodium voltage-gated channel alpha subunit 11; minus strand). Cytogenetic location: 3p22.2.
Variant type: single nucleotide variant.
Coding change: c.192G>C on transcript NM_001349253.2 (MANE Select); coding-DNA position 192, G replaced by C.
Protein change: p.Lys64Asn; replaces lysine 64 with asparagine.
Molecular consequence: missense variant.
Genome position (GRCh38, 1-based): chr3:38,950,171, C>G on the plus strand (G>C on the coding strand, the complement: SCN11A is on the minus strand). VCF-style: chr3-38950171-C-G. GRCh37 (hg19) VCF-style: chr3-38991662-C-G.
Other names: c.192G>C, p.Lys64Asn (NM_014139.3); short protein forms K64N.
Identifiers: ClinVar variation 2946763 (VCV002946763.3), dbSNP rs2470708381, ClinGen allele CA352176610.

ClinVar aggregate classification (germline): Uncertain significance (1 of 4 stars; one submission).

Conditions:
Hereditary sensory and autonomic neuropathy type 7. Also called: HSAN VII; Neuropathy, hereditary sensory and autonomic, type VII. Identifiers: Orphanet 391397, MedGen C3809882, MONDO:0014244, OMIM 615548.
Familial episodic pain syndrome with predominantly lower limb involvement. Also called: Episodic pain syndrome, familial, 3. Identifiers: Orphanet 391384, Orphanet 391392, MedGen C3809899, MONDO:0014247, OMIM 615552.

Submission:

Labcorp Genetics (formerly Invitae), Labcorp
Classification: Uncertain significance for Familial episodic pain syndrome with predominantly lower limb involvement; Hereditary sensory and autonomic neuropathy type 7. Last evaluated: 2023-04-15. Review status: criteria provided, single submitter. Criteria: Invitae Variant Classification Sherloc (09022015). Collection method: clinical testing. Allele origin: germline.
Comment: In summary, the available evidence is currently insufficient to determine the role of this variant in disease. Therefore, it has been classified as a Variant of Uncertain Significance. Advanced modeling of protein sequence and biophysical properties (such as structural, functional, and spatial information, amino acid conservation, physicochemical variation, residue mobility, and thermodynamic stability) performed at Invitae indicates that this missense variant is not expected to disrupt SCN11A protein function. This variant has not been reported in the literature in individuals affected with SCN11A-related conditions. This variant is not present in population databases (gnomAD no frequency). This sequence change replaces lysine, which is basic and polar, with asparagine, which is neutral and polar, at codon 64 of the SCN11A protein (p.Lys64Asn).